The following is an entry in ClinVar:

NM_001018113.3(FANCB):c.469A>G (p.Thr157Ala)

Gene: FANCB (FA complementation group B; minus strand). Cytogenetic location: Xp22.2.
Variant type: single nucleotide variant.
Coding change: c.469A>G on transcript NM_001018113.3 (MANE Select); coding-DNA position 469, A replaced by G.
Protein change: p.Thr157Ala; replaces threonine 157 with alanine.
Molecular consequence: missense variant.
Genome position (GRCh38, 1-based): chrX:14,865,042, T>C on the plus strand (A>G on the coding strand, the complement: FANCB is on the minus strand). VCF-style: chrX-14865042-T-C. GRCh37 (hg19) VCF-style: chrX-14883164-T-C.
Other names: c.469A>G, p.Thr157Ala (NM_001324162.2, NM_001410764.1, NM_152633.4); short protein forms T157A.
Identifiers: ClinVar variation 2081523 (VCV002081523.4), dbSNP rs1421836322, ClinGen allele CA412444436.

ClinVar aggregate classification (germline): Uncertain significance (1 of 4 stars; one submission).

Conditions:
Fanconi anemia (FA). Also called: Fanconi's anemia. Identifiers: Orphanet 84, MedGen C0015625, MeSH D005199, MONDO:0019391.

Allele frequency attached by ClinVar (database versions not stated): gnomAD exomes 0.00001; TOPMed 0.00001.
gnomAD v4.1: 7 of 1,210,438 alleles (0.00058%); highest among the groups gnomAD compares: African/African-American, 0.0017%; no homozygotes.

Submission:

Labcorp Genetics (formerly Invitae), Labcorp
Classification: Uncertain significance for Fanconi anemia. Last evaluated: 2022-08-27. Review status: criteria provided, single submitter. Criteria: Invitae Variant Classification Sherloc (09022015). Collection method: clinical testing. Allele origin: germline.
Comment: In summary, the available evidence is currently insufficient to determine the role of this variant in disease. Therefore, it has been classified as a Variant of Uncertain Significance. Algorithms developed to predict the effect of missense changes on protein structure and function are either unavailable or do not agree on the potential impact of this missense change (SIFT: "Tolerated"; PolyPhen-2: "Possibly Damaging"; Align-GVGD: "Class C0"). This variant has not been reported in the literature in individuals affected with FANCB-related conditions. This variant is present in population databases (no rsID available, gnomAD 0.008%). This sequence change replaces threonine, which is neutral and polar, with alanine, which is neutral and non-polar, at codon 157 of the FANCB protein (p.Thr157Ala).